The following is an entry in ClinVar:

ClinVar aggregate classification (germline): Pathogenic (1 of 4 stars; one submission).

Conditions:
Gnathodiaphyseal dysplasia (GDD). Also called: GNATHODIAPHYSEAL SCLEROSIS; OSTEOGENESIS IMPERFECTA WITH UNUSUAL SKELETAL LESIONS. Identifiers: Orphanet 53697, MedGen C1833736, MONDO:0008151, OMIM 166260.
Autosomal recessive limb-girdle muscular dystrophy type 2L (LGMDR12). Also called: Limb-girdle muscular dystrophy, type 2L; MUSCULAR DYSTROPHY, LIMB-GIRDLE, AUTOSOMAL RECESSIVE 12; Limb-Girdle Muscular Dystrophy R12 Anoctamin-5-Related (LGMD-R12). Identifiers: Orphanet 206549, MedGen C1969785, MONDO:0012652, OMIM 611307.

gnomAD v4.1: 3 of 1,613,734 alleles (0.00019%); highest among the groups gnomAD compares: South Asian, 0.0033%; no homozygotes.

Submission:

Labcorp Genetics (formerly Invitae), Labcorp
Classification: Pathogenic for Autosomal recessive limb-girdle muscular dystrophy type 2L; Gnathodiaphyseal dysplasia. Last evaluated: 2024-04-29. Review status: criteria provided, single submitter. Criteria: Invitae Variant Classification Sherloc (09022015). Collection method: clinical testing. Allele origin: germline.
Comment: This sequence change creates a premature translational stop signal (p.Ser372*) in the ANO5 gene. It is expected to result in an absent or disrupted protein product. Loss-of-function variants in ANO5 are known to be pathogenic (PMID: 21186264, 23606453, 25891276, 30919934). This variant is present in population databases (no rsID available, gnomAD 0.003%). This variant has not been reported in the literature in individuals affected with ANO5-related conditions. For these reasons, this variant has been classified as Pathogenic.

Literature cited by the submitters: PubMed 21186264; PubMed 23606453; PubMed 25891276; PubMed 30919934.

NM_213599.3(ANO5):c.1115C>A (p.Ser372Ter)

Gene: ANO5 (anoctamin 5; plus strand). Cytogenetic location: 11p14.3.
Variant type: single nucleotide variant.
Coding change: c.1115C>A on transcript NM_213599.3 (MANE Select); coding-DNA position 1115, C replaced by A.
Protein change: p.Ser372Ter; replaces serine 372 with a stop codon.
Molecular consequence: nonsense.
Genome position (GRCh38, 1-based): chr11:22,250,842, C>A. VCF-style: chr11-22250842-C-A. GRCh37 (hg19) VCF-style: chr11-22272388-C-A.
Other names: c.1112C>A, p.Ser371Ter (NM_001142649.2); c.1073C>A, p.Ser358Ter (NM_001410963.1); c.1070C>A, p.Ser357Ter (NM_001410964.1); short protein forms S357*, S358*, S371*, S372*.
Identifiers: ClinVar variation 3760689 (VCV003760689.2).